The following is an entry in ClinVar:

NM_006019.4(TCIRG1):c.249G>T (p.Lys83Asn)

Gene: TCIRG1 (T cell immune regulator 1, ATPase H+ transporting V0 subunit a3; plus strand). Cytogenetic location: 11q13.2.
Variant type: single nucleotide variant.
Coding change: c.249G>T on transcript NM_006019.4 (MANE Select); coding-DNA position 249, G replaced by T.
Protein change: p.Lys83Asn; replaces lysine 83 with asparagine.
Molecular consequence: missense variant. On other transcripts: 5 prime UTR variant (1), intron variant (1).
Genome position (GRCh38, 1-based): chr11:68,042,695, G>T. VCF-style: chr11-68042695-G-T. GRCh37 (hg19) VCF-style: chr11-67810162-G-T.
Other names: c.-1001G>T (NM_001351059.2); c.249G>T, p.Lys83Asn (NM_001440552.1, NM_001440553.1, NM_001440554.1 and 9 more transcripts); c.207G>T, p.Lys69Asn (NM_001440555.1, NM_001440556.1, NM_001440563.1 and 2 more transcripts); c.118-251G>T (NM_001440565.1); short protein forms K83N, K69N.
Identifiers: ClinVar variation 4749860 (VCV004749860.1).

ClinVar aggregate classification (germline): Uncertain significance (1 of 4 stars; one submission).

gnomAD v4.1: 6 of 1,546,182 alleles (0.00039%); highest among the groups gnomAD compares: Non-Finnish European, 0.00052%; no homozygotes.

Submission:

Labcorp Genetics (formerly Invitae), Labcorp
Classification: Uncertain significance. Last evaluated: 2025-08-10. Review status: criteria provided, single submitter. Criteria: Invitae Variant Classification Sherloc (09022015). Collection method: clinical testing. Allele origin: germline.
Comment: This sequence change replaces lysine, which is basic and polar, with asparagine, which is neutral and polar, at codon 83 of the TCIRG1 protein (p.Lys83Asn). This variant is not present in population databases (gnomAD no frequency). This variant has not been reported in the literature in individuals affected with TCIRG1-related conditions. Invitae Evidence Modeling of protein sequence and biophysical properties (such as structural, functional, and spatial information, amino acid conservation, physicochemical variation, residue mobility, and thermodynamic stability) indicates that this missense variant is not expected to disrupt TCIRG1 protein function with a negative predictive value of 80%. In summary, the available evidence is currently insufficient to determine the role of this variant in disease. Therefore, it has been classified as a Variant of Uncertain Significance.